The following is an entry in ClinVar:

NM_000038.6(APC):c.386_387insT (p.Glu129fs)

Gene: APC (APC regulator of Wnt signaling pathway; plus strand). Cytogenetic location: 5q22.2.
Variant type: Insertion.
Coding change: c.386_387insT on transcript NM_000038.6 (MANE Select); coding-DNA positions 386 to 387, T inserted.
Protein change: p.Glu129fs; shifts the reading frame from glutamic acid 129.
Molecular consequence: frameshift variant. On other transcripts: 5 prime UTR variant (1).
Genome position: GRCh38 VCF-style: chr5-112767354-A-AT. GRCh37 (hg19) VCF-style: chr5-112103051-A-AT.
Other names: c.209_210insT, p.Glu70fs (NM_001354900.2, NM_001354901.2, NM_001354905.2); c.416_417insT, p.Glu139fs (NM_001354902.2, NM_001127511.3, NM_001354897.2); c.386_387insT, p.Glu129fs (NM_001354903.2, NM_001127510.3, NM_001354895.2 and 2 more transcripts); c.311_312insT, p.Glu104fs (NM_001354904.2, NM_001354898.2); c.-650_-649insT (NM_001354906.2); short protein forms E139fs, E129fs, E70fs, E104fs.
Identifiers: ClinVar variation 545734 (VCV000545734.4), dbSNP rs1554069831, ClinGen allele CA658760413.

ClinVar aggregate classification (germline): Pathogenic. Review status: criteria provided, multiple submitters, no conflicts (2 of 4 stars). 2 submissions from 2 submitters: Pathogenic (2). Last evaluated 2023-04-25.

Conditions:
Familial adenomatous polyposis 1 (FAP1). Also called: FAMILIAL ADENOMATOUS POLYPOSIS 1, ATTENUATED; POLYPOSIS, ADENOMATOUS INTESTINAL. Identifiers: MedGen C2713442, MONDO:0021056, OMIM 175100. Disease mechanism: loss of function.

Submissions (2):

Myriad Genetics, Inc.
Classification: Pathogenic for Familial adenomatous polyposis 1. Last evaluated: 2023-04-25. Review status: criteria provided, single submitter. Criteria: Myriad Autosomal Dominant, Autosomal Recessive and X-Linked Classification Criteria (2023). Collection method: clinical testing. Allele origin: unknown.
Comment: This variant is considered pathogenic. This variant creates a frameshift predicted to result in premature protein truncation.

GeneDx
Classification: Pathogenic. Last evaluated: 2018-05-04. Review status: criteria provided, single submitter. Criteria: GeneDx Variant Classification (06012015). Collection method: clinical testing. Allele origin: germline. Affected: yes.
Comment: This insertion of one nucleotide in APC is denoted c.386_387insT at the cDNA level and p.Glu129AspfsX10 (E129DfsX10) at the protein level. The normal sequence, with the base that is inserted in brackets, is GAGA[insT]AAGT. The insertion causes a frameshift which changes a Glutamic Acid to an Aspartic Acid at codon 129, and creates a premature stop codon at position 10 of the new reading frame. This variant is predicted to cause loss of normal protein function through either protein truncation or nonsense-mediated mRNA decay. APC c.386_387insT has been observed in at least one individual with classic or attenuated familial adenomatous polyposis (Friedl 2005). Based on the currently available information, we consider this insertion to be pathogenic.